The following is an entry in ClinVar:

ClinVar aggregate classification (germline): Uncertain significance. Review status: criteria provided, multiple submitters, no conflicts (2 of 4 stars). 2 submissions from 2 submitters: Uncertain significance (2). Last evaluated 2026-07-07.

Conditions:
Hereditary cancer-predisposing syndrome. Also called: Hereditary Cancer Syndrome; Tumor predisposition; Neoplastic Syndromes, Hereditary; Hereditary neoplastic syndrome. Identifiers: Orphanet 140162, MedGen C0027672, MeSH D009386, MONDO:0015356.
Haddad syndrome (OHD). Also called: Ondine-Hirschsprung disease. Identifiers: Orphanet 99803, MedGen C1859049, MONDO:0020493.

Submissions (2):

Ambry Genetics
Classification: Uncertain significance for Hereditary cancer-predisposing syndrome. Last evaluated: 2026-07-07. Review status: criteria provided, single submitter. Criteria: Ambry Variant Classification Scheme 2023. Collection method: clinical testing. Allele origin: germline.
Comment: The p.S297L variant (also known as c.890C>T), located in coding exon 3 of the PHOX2B gene, results from a C to T substitution at nucleotide position 890. The serine at codon 297 is replaced by leucine, an amino acid with dissimilar properties. This amino acid position is conserved. In addition, the in silico prediction for this alteration is inconclusive. Based on the available evidence, the clinical significance of this variant remains unclear.

Labcorp Genetics (formerly Invitae), Labcorp
Classification: Uncertain significance for Haddad syndrome. Last evaluated: 2021-02-24. Review status: criteria provided, single submitter. Criteria: Invitae Variant Classification Sherloc (09022015). Collection method: clinical testing. Allele origin: germline.
Comment: In summary, the available evidence is currently insufficient to determine the role of this variant in disease. Therefore, it has been classified as a Variant of Uncertain Significance. Algorithms developed to predict the effect of missense changes on protein structure and function are either unavailable or do not agree on the potential impact of this missense change (SIFT: "Deleterious"; PolyPhen-2: "Not Available"; Align-GVGD: "Class C0"). This variant has not been reported in the literature in individuals with PHOX2B-related conditions. This variant is not present in population databases (ExAC no frequency). This sequence change replaces serine with leucine at codon 297 of the PHOX2B protein (p.Ser297Leu). The serine residue is highly conserved and there is a large physicochemical difference between serine and leucine.

NM_003924.4(PHOX2B):c.890C>T (p.Ser297Leu)

Gene: PHOX2B (paired like homeobox 2B; minus strand). Cytogenetic location: 4p13.
Variant type: single nucleotide variant.
Coding change: c.890C>T on transcript NM_003924.4 (MANE Select); coding-DNA position 890, C replaced by T.
Protein change: p.Ser297Leu; replaces serine 297 with leucine.
Molecular consequence: missense variant.
Genome position (GRCh38, 1-based): chr4:41,745,862, G>A on the plus strand (C>T on the coding strand, the complement: PHOX2B is on the minus strand). VCF-style: chr4-41745862-G-A. GRCh37 (hg19) VCF-style: chr4-41747879-G-A.
Other names: c.890C>T (NM_003924.3); short protein forms S297L.
Identifiers: ClinVar variation 1498995 (VCV001498995.9), dbSNP rs2153112732, ClinGen allele CA356736834.